The following is an entry in ClinVar:

NM_002769.5(PRSS1):c.206T>A (p.Ile69Asn)

Genes: TRB (T cell receptor beta locus; plus strand), PRSS1 (serine protease 1; plus strand). Cytogenetic location: 7q34.
Variant type: single nucleotide variant.
Coding change: c.206T>A on transcript NM_002769.5 (MANE Select); coding-DNA position 206, T replaced by A.
Protein change: p.Ile69Asn; replaces isoleucine 69 with asparagine.
Molecular consequence: missense variant. On other transcripts: non-coding transcript variant (2).
Genome position (GRCh38, 1-based): chr7:142,751,779, T>A. VCF-style: chr7-142751779-T-A. GRCh37 (hg19) VCF-style: chr7-142459630-T-A.
Other names: short protein forms I69N.
Identifiers: ClinVar variation 1785360 (VCV001785360.2), dbSNP rs1237210606, ClinGen allele CA369608342.
Genomic context (GRCh38, chr7:142,751,779, plus strand): 5'-GATAGGTGCCCTGGCTGTGGGAGAAGGTCTTCACCATGCCTGCCCTGCCCATCAGCCGCA[T>A]CCAGGTGAGACTGGGAGAGCACAACATCGAAGTCCTGGAGGGGAATGAGCAGTTCATCAA-3'
Protein context (NP_002760.1, residues 59-79): VSAGHCYKSR[Ile69Asn]QVRLGEHNIE

ClinVar aggregate classification (germline): Uncertain significance (1 of 4 stars; one submission).

Conditions:
Hereditary pancreatitis (PCTT). Also called: Hereditary chronic pancreatitis; PRSS1-Related Hereditary Pancreatitis. Identifiers: Orphanet 676, MedGen C0238339, MONDO:0008185, OMIM 167800.

Allele frequency attached by ClinVar (database versions not stated): gnomAD exomes below 0.00001.
gnomAD v4.1: 1 of 1,614,148 alleles (0.000062%); highest among the groups gnomAD compares: South Asian, 0.0011%; no homozygotes.

Submission:

Ambry Genetics
Classification: Uncertain significance for Hereditary pancreatitis. Last evaluated: 2022-03-27. Review status: criteria provided, single submitter. Criteria: Ambry Variant Classification Scheme 2023. Collection method: clinical testing. Allele origin: germline.
Comment: The p.I69N variant (also known as c.206T>A), located in coding exon 3 of the PRSS1 gene, results from a T to A substitution at nucleotide position 206. The isoleucine at codon 69 is replaced by asparagine, an amino acid with dissimilar properties. This amino acid position is conserved. In addition, the in silico prediction for this alteration is inconclusive. Since supporting evidence is limited at this time, the clinical significance of this alteration remains unclear.